The following is an entry in ClinVar:

ClinVar aggregate classification (germline): Pathogenic. Review status: criteria provided, single submitter (1 of 4 stars). 2 submissions from 2 submitters: Pathogenic (1). 1 of the submissions does not count toward it. Last evaluated 2021-10-23.

Conditions:
Von Hippel-Lindau syndrome (VHLS). Also called: Von Hippel-Lindau; von Hippel–Lindau syndrome; VHL syndrome. Identifiers: Orphanet 892, MedGen C0019562, MONDO:0008667, OMIM 193300. Disease mechanism: loss of function.
Chuvash polycythemia. Also called: POLYCYTHEMIA, VHL-DEPENDENT. Identifiers: Orphanet 238557, MedGen C1837915, MONDO:0009892, OMIM 263400.

Submissions (2):

Labcorp Genetics (formerly Invitae), Labcorp
Classification: Pathogenic for Von Hippel-Lindau syndrome; Chuvash polycythemia. Last evaluated: 2021-10-23. Review status: criteria provided, single submitter. Criteria: Invitae Variant Classification Sherloc (09022015). Collection method: clinical testing. Allele origin: germline.
Comment: For these reasons, this variant has been classified as Pathogenic. ClinVar contains an entry for this variant (Variation ID: 223202). This variant has not been reported in the literature in individuals affected with VHL-related conditions. This variant is not present in population databases (ExAC no frequency). This sequence change creates a premature translational stop signal (p.His125Argfs*6) in the VHL gene. It is expected to result in an absent or disrupted protein product. Loss-of-function variants in VHL are known to be pathogenic (PMID: 8956040, 12202531, 29891534, 31350093).

Genomic Diagnostic Laboratory, Division of Genomic Diagnostics, Children's Hospital of Philadelphia
Classification: Pathogenic for Von Hippel-Lindau syndrome. Last evaluated: 2016-02-26. Review status: no assertion criteria provided. Collection method: clinical testing. Allele origin: germline. Affected: yes. Observed: 4 variant alleles. Not counted in ClinVar's aggregate classification.

Literature cited by the submitters: PubMed 8956040 (cited by Labcorp Genetics (formerly Invitae), Labcorp); PubMed 12202531 (cited by Labcorp Genetics (formerly Invitae), Labcorp); PubMed 29891534 (cited by Labcorp Genetics (formerly Invitae), Labcorp); PubMed 31350093 (cited by Labcorp Genetics (formerly Invitae), Labcorp).

NM_000551.4(VHL):c.374_375del (p.His125fs)

Genes: VHL (von Hippel-Lindau tumor suppressor; plus strand), LOC107303340 (3p25 von Hippel-Lindau tumor suppressor, E3 ubiquitin protein ligase Alu-mediated recombination region; plus strand). Cytogenetic location: 3p25.3.
Variant type: Microsatellite.
Coding change: c.374_375del on transcript NM_000551.4 (MANE Select); coding-DNA positions 374 to 375, 2 bases deleted (AC; older notation c.374_375delAC).
Protein change: p.His125fs; shifts the reading frame from histidine 125.
Molecular consequence: frameshift variant. On other transcripts: intron variant (2).
Genome position (GRCh38, 1-based): chr3:10,146,547-10,146,548, AC deleted; deleting any 2 consecutive bases within chr3:10,146,543-10,146,548 gives the same sequence; the c. name uses the placement nearest the transcript's 3' end. VCF-style (leftmost placement, unchanged base first): chr3-10146542-GAC-G. GRCh37 (hg19) VCF-style: chr3-10188226-GAC-G.
Other names: c.374_375delAC (NM_000551.3); c.*18-3244AC[2] (NM_001354723.2); c.341-3244AC[2] (NM_198156.3); short protein forms H125fs.
Identifiers: ClinVar variation 223202 (VCV000223202.7), dbSNP rs869025644, ClinGen allele CA357032.